The following is an entry in ClinVar:

NM_000204.5(CFI):c.1176_1177dup (p.Trp393fs)

Gene: CFI (complement factor I; minus strand). Cytogenetic location: 4q25.
Variant type: Microsatellite.
Coding change: c.1176_1177dup on transcript NM_000204.5 (MANE Select); coding-DNA positions 1176 to 1177, 2 bases duplicated (AT; older notation c.1176_1177dupAT).
Protein change: p.Trp393fs; shifts the reading frame from tryptophan 393.
Molecular consequence: frameshift variant. On other transcripts: non-coding transcript variant (2).
Genome position (GRCh38, 1-based): chr4:109,746,474-109,746,475, AT duplicated on the plus strand (AT on the coding strand, the reverse complement: CFI is on the minus strand); duplicating any 2 consecutive bases within chr4:109,746,474-109,746,477 gives the same sequence; the c. name uses the placement nearest the transcript's 3' end. VCF-style (leftmost placement, unchanged base first): chr4-109746473-C-CAT. GRCh37 (hg19) VCF-style: chr4-110667629-C-CAT.
Other names: c.1176_1177dupAT (NM_000204.3, NM_000204.4); c.1176_1177dup (NM_000204.4); c.1200_1201dup, p.Trp401fs (NM_001318057.2, NM_001375278.1); c.1155_1156dup, p.Trp386fs (NM_001331035.2, NM_001375280.1, NM_001375282.1); c.1176_1177dup, p.Trp393fs (NM_001375279.1, NM_001375281.1); c.1119_1120dup, p.Trp374fs (NM_001375283.1); c.567_568dup, p.Trp190fs (NM_001375284.1); short protein forms W386fs, W393fs, W401fs, W190fs, W374fs.
Identifiers: ClinVar variation 280145 (VCV000280145.16), dbSNP rs758049059, ClinGen allele CA3041982.

ClinVar aggregate classification (germline): Pathogenic. Review status: criteria provided, multiple submitters, no conflicts (2 of 4 stars). 7 submissions from 7 submitters: Pathogenic (5). 2 of the submissions do not count toward it. Last evaluated 2025-12-27.

Conditions:
Age related macular degeneration 13. Identifiers: MedGen C3809523, MONDO:0014189, OMIM 615439.
Factor I deficiency (CFID). Also called: Complement factor I deficiency. Identifiers: Orphanet 200418, MedGen C3463916, MONDO:0012594, OMIM 610984.
Atypical hemolytic-uremic syndrome with I factor anomaly. Also called: HEMOLYTIC UREMIC SYNDROME, ATYPICAL, SUSCEPTIBILITY TO, 3; AHUS, SUSCEPTIBILITY TO, 3. Identifiers: Orphanet 2134, MedGen C2752039, MONDO:0013041, OMIM 612923.
CFI-related disorder. Also called: CFI-related disorders; CFI-related condition. Identifiers: MedGen CN239325.

Submissions (7):

Labcorp Genetics (formerly Invitae), Labcorp
Classification: Pathogenic. Last evaluated: 2025-12-27. Review status: criteria provided, single submitter. Criteria: Invitae Variant Classification Sherloc (09022015). Collection method: clinical testing. Allele origin: germline.
Comment: This sequence change creates a premature translational stop signal (p.Trp393Tyrfs*5) in the CFI gene. It is expected to result in an absent or disrupted protein product. Loss-of-function variants in CFI are known to be pathogenic (PMID: 15917334, 16621965, 19065647, 20016463, 22710145). This variant is present in population databases (rs758049059, gnomAD 0.003%). This premature translational stop signal has been observed in individual(s) with complement factor I deficiency (PMID: 12562389, 22710145). It has also been observed to segregate with disease in related individuals. This variant is also known as 1205insAT. ClinVar contains an entry for this variant (Variation ID: 280145). For these reasons, this variant has been classified as Pathogenic.

Genomenon, Inc
Classification: Pathogenic for CFI-related disorder. Last evaluated: 2025-09-26. Review status: criteria provided, single submitter. Criteria: Genomenon Sequence Variant Interpretation Standards - Updated. Collection method: curation. Allele origin: germline. Affected: yes.
Comment: CFI p.Trp393TyrfsTer5 (c.1176_1177dup) is a frameshift variant that results in the production of a truncated protein which is predicted to undergo nonsense-mediated mRNA decay. This variant has been observed in at least one proband affected with complement factor I deficiency (PMID:12562389;22710145). The variant was found to segregate with disease in at least one affected family (PMID:12562389). It is absent or not present at a significant frequency in gnomAD. In conclusion, we classify CFI p.Trp393TyrfsTer5 (c.1176_1177dup) as a pathogenic variant.

GeneDx
Classification: Pathogenic. Last evaluated: 2022-12-06. Review status: criteria provided, single submitter. Criteria: GeneDx Variant Classification Process June 2021. Collection method: clinical testing. Allele origin: germline. Affected: yes.
Comment: Frameshift variant predicted to result in protein truncation or nonsense mediated decay in a gene for which loss of function is a known mechanism of disease; Not observed at significant frequency in large population cohorts (gnomAD); This variant is associated with the following publications: (PMID: 12562389)

Fulgent Genetics
Classification: Pathogenic for Factor I deficiency; Atypical hemolytic-uremic syndrome with I factor anomaly; Age related macular degeneration 13. Last evaluated: 2021-07-06. Review status: criteria provided, single submitter. Criteria: ACMG Guidelines, 2015. Collection method: clinical testing. Allele origin: unknown.

Blueprint Genetics
Classification: Pathogenic for CFI-related disorders. Last evaluated: 2020-06-08. Review status: criteria provided, single submitter. Criteria: ACMG Guidelines, 2015. Collection method: clinical testing. Allele origin: germline. Affected: yes. Observed: 3 variant alleles.

PreventionGenetics, part of Exact Sciences
Classification: Pathogenic for CFI-related condition. Last evaluated: 2023-12-04. Review status: no assertion criteria provided. Collection method: clinical testing. Allele origin: germline. Not counted in ClinVar's aggregate classification.
Comment: The CFI c.1176_1177dupAT variant is predicted to result in a frameshift and premature protein termination (p.Trp393Tyrfs*5). This variant was reported in the homozygous state in two siblings with complement factor I deficiency (Baracho et al. 2003. PubMed ID: 12562389, reported as 1204_1205insAT). This variant is reported in 0.0029% of alleles in individuals of Latino descent in gnomAD. Frameshift variants in CFI are expected to be pathogenic. This variant is interpreted as pathogenic.

OMIM
Classification: Pathogenic for COMPLEMENT FACTOR I DEFICIENCY. Last evaluated: 2003-02-01. Review status: no assertion criteria provided. Collection method: literature only. Allele origin: germline. Not counted in ClinVar's aggregate classification.

Literature cited by the submitters: PubMed 15917334 (cited by Labcorp Genetics (formerly Invitae), Labcorp); PubMed 16621965 (cited by Labcorp Genetics (formerly Invitae), Labcorp); PubMed 19065647 (cited by Labcorp Genetics (formerly Invitae), Labcorp); PubMed 20016463 (cited by Labcorp Genetics (formerly Invitae), Labcorp); PubMed 22710145 (cited by Labcorp Genetics (formerly Invitae), Labcorp); PubMed 12562389 (cited by 3 submitters); 22710145 (cited by Genomenon, Inc).